The following is an entry in ClinVar:

NM_001349338.3(FOXP1):c.1541G>T (p.Arg514Leu)

Gene: FOXP1 (forkhead box P1; minus strand). Cytogenetic location: 3p13.
Variant type: single nucleotide variant.
Coding change: c.1541G>T on transcript NM_001349338.3 (MANE Select); coding-DNA position 1541, G replaced by T.
Protein change: p.Arg514Leu; replaces arginine 514 with leucine.
Molecular consequence: missense variant. On other transcripts: non-coding transcript variant (2), intron variant (1).
Genome position (GRCh38, 1-based): chr3:70,972,666, C>A on the plus strand (G>T on the coding strand, the complement: FOXP1 is on the minus strand). VCF-style: chr3-70972666-C-A. GRCh37 (hg19) VCF-style: chr3-71021817-C-A.
Other names: c.1538G>T, p.Arg513Leu (NM_001244808.3, NM_001349341.3); c.1313G>T, p.Arg438Leu (NM_001244812.3); c.1241G>T, p.Arg414Leu (NM_001244813.3, NM_001244815.2, NM_001349342.3); c.1541G>T, p.Arg514Leu (NM_001244814.3, NM_001244816.2, NM_001349339.1 and 2 more transcripts); c.1238G>T, p.Arg413Leu (NM_001349337.2, NM_001349343.3, NM_001349344.3 and 1 more transcripts); c.1531-486G>T (NM_001244810.2); short protein forms R413L, R438L, R513L, R514L, R414L.
Identifiers: ClinVar variation 2749551 (VCV002749551.3), dbSNP rs797045586, ClinGen allele CA353491846.

ClinVar aggregate classification (germline): Uncertain significance (1 of 4 stars; one submission).

Allele frequency attached by ClinVar (database versions not stated): gnomAD exomes below 0.00001.
gnomAD v4.1: 1 of 1,613,972 alleles (0.000062%); highest among the groups gnomAD compares: Non-Finnish European, 0.000085%; no homozygotes.

Submission:

Labcorp Genetics (formerly Invitae), Labcorp
Classification: Uncertain significance. Last evaluated: 2023-08-02. Review status: criteria provided, single submitter. Criteria: Invitae Variant Classification Sherloc (09022015). Collection method: clinical testing. Allele origin: germline.
Comment: In summary, the available evidence is currently insufficient to determine the role of this variant in disease. Therefore, it has been classified as a Variant of Uncertain Significance. This variant disrupts the p.Arg514 amino acid residue in FOXP1. Other variant(s) that disrupt this residue have been determined to be pathogenic (PMID: 26633542, 26647308, 28714951, 28741757, 31618753). This suggests that this residue is clinically significant, and that variants that disrupt this residue are likely to be disease-causing. Advanced modeling of protein sequence and biophysical properties (such as structural, functional, and spatial information, amino acid conservation, physicochemical variation, residue mobility, and thermodynamic stability) performed at Invitae indicates that this missense variant is expected to disrupt FOXP1 protein function. This variant has not been reported in the literature in individuals affected with FOXP1-related conditions. This variant is not present in population databases (gnomAD no frequency). This sequence change replaces arginine, which is basic and polar, with leucine, which is neutral and non-polar, at codon 514 of the FOXP1 protein (p.Arg514Leu).

Literature cited by the submitters: PubMed 26633542; PubMed 26647308; PubMed 28714951; PubMed 28741757; PubMed 31618753.